The following is an entry in ClinVar:

ClinVar aggregate classification (germline): Pathogenic/Likely pathogenic. Review status: criteria provided, multiple submitters, no conflicts (2 of 4 stars). 4 submissions from 4 submitters: Pathogenic (2); Likely pathogenic (2). Last evaluated 2025-11-25.

Conditions:
Autosomal recessive nonsyndromic hearing loss 77. Identifiers: Orphanet 90636, MedGen C2746083, MONDO:0013119, OMIM 613079.

Allele frequency attached by ClinVar (database versions not stated): gnomAD 0.00001; TOPMed 0.00002.

Submissions (4):

Natera, Inc.
Classification: Likely pathogenic for Autosomal recessive deafness type 77. Last evaluated: 2025-11-25. Review status: criteria provided, single submitter. Criteria: Natera Variant Classification Schema (03/2026). Collection method: clinical testing. Allele origin: germline.
Comment: The c.4794_4795insTC variant in LOXHD1 is a frameshift variant predicted to shift the reading frame beginning at codon 1599 and leads to a stop codon 4 codons downstream. This variant is expected to result in nonsense mediated decay, truncation, or a dysfunctional protein product. This variant is rare in the general population with a frequency below the threshold expected for the associated phenotype(s). Given the available evidence, this variant is classified as Likely Pathogenic.

Myriad Genetics, Inc.
Classification: Pathogenic for Autosomal recessive nonsyndromic hearing loss 77. Last evaluated: 2025-05-07. Review status: criteria provided, single submitter. Criteria: Myriad Autosomal Dominant, Autosomal Recessive and X-Linked Classification Criteria (2023). Collection method: clinical testing. Allele origin: unknown.
Comment: NM_144612.6(LOXHD1):c.4794_4795insTC(I1599Sfs*4) is a frameshift variant classified as pathogenic in the context of nonsyndromic hearing loss, LOXHD1-related. I1599Sfs*4 has not been observed in cases with relevant disease. Relevant functional assessments of this variant are not available in the literature. I1599Sfs*4 has not been observed in referenced population frequency databases. In summary, NM_144612.6(LOXHD1):c.4794_4795insTC(I1599Sfs*4) is a frameshift variant in a gene where loss of function is a known mechanism of disease and is predicted to disrupt protein function. Please note: this variant was assessed in the context of healthy population screening.

Labcorp Genetics (formerly Invitae), Labcorp
Classification: Pathogenic. Last evaluated: 2023-10-06. Review status: criteria provided, single submitter. Criteria: Invitae Variant Classification Sherloc (09022015). Collection method: clinical testing. Allele origin: germline.
Comment: This sequence change creates a premature translational stop signal (p.Ile1599Serfs*4) in the LOXHD1 gene. It is expected to result in an absent or disrupted protein product. Loss-of-function variants in LOXHD1 are known to be pathogenic (PMID: 19732867, 21465660, 25792669). This variant is not present in population databases (gnomAD no frequency). This variant has not been reported in the literature in individuals affected with LOXHD1-related conditions. ClinVar contains an entry for this variant (Variation ID: 817890). For these reasons, this variant has been classified as Pathogenic.

GeneDx
Classification: Likely pathogenic. Last evaluated: 2018-11-15. Review status: criteria provided, single submitter. Criteria: GeneDx Variant Classification (06012015). Collection method: clinical testing. Allele origin: germline. Affected: yes.
Comment: The c.4794_4795insTC variant in the LOXHD1 gene has not been reported previously as a pathogenic variant nor as a benign variant, to our knowledge. The c.4794_4795insTC variant causes a frameshift starting with codon Isoleucine 599, changes this amino acid to a Serine residue, and creates a premature Stop codon at position 4 of the new reading frame, denoted p.Ile1599SerfsX4. This variant is predicted to cause loss of normal protein function either through protein truncation or nonsense-mediated mRNA decay. The c.4794_4795insTCvariant is not observed in large population cohorts (Lek et al., 2016). We interpret c.4794_4795insTC as a likely pathogenic variant.

Literature cited by the submitters: PubMed 19732867 (cited by Labcorp Genetics (formerly Invitae), Labcorp); PubMed 21465660 (cited by Labcorp Genetics (formerly Invitae), Labcorp); PubMed 25792669 (cited by Labcorp Genetics (formerly Invitae), Labcorp).

NM_001384474.1(LOXHD1):c.4794_4795insTC (p.Ile1599fs)

Gene: LOXHD1 (lipoxygenase homology PLAT domains 1; minus strand). Cytogenetic location: 18q21.1.
Variant type: Insertion.
Coding change: c.4794_4795insTC on transcript NM_001384474.1 (MANE Select); coding-DNA positions 4794 to 4795, TC inserted.
Protein change: p.Ile1599fs; shifts the reading frame from isoleucine 1599.
Molecular consequence: frameshift variant.
Genome position: GRCh38 VCF-style: chr18-46524547-T-TGA. GRCh37 (hg19) VCF-style: chr18-44104510-T-TGA.
Other names: c.1461_1462insTC, p.Ile488fs (NM_001145472.3); c.1173_1174insTC, p.Ile392fs (NM_001308013.2); c.4794_4795insTC, p.Ile1599fs (NM_144612.7); short protein forms I1599fs, I392fs, I488fs.
Identifiers: ClinVar variation 817890 (VCV000817890.9), dbSNP rs1598914701, ClinGen allele CA915951552.